The following is an entry in ClinVar:

ClinVar aggregate classification (germline): Uncertain significance (1 of 4 stars; one submission).

Conditions:
Familial infantile myasthenia (CMS6). Also called: MYASTHENIC SYNDROME, CONGENITAL, 6, PRESYNAPTIC; MYASTHENIC SYNDROME, PRESYNAPTIC, CONGENITAL, ASSOCIATED WITH EPISODIC APNEA; Congenital myasthenic syndrome type 6. Identifiers: Orphanet 590, MedGen C0393929, MONDO:0009689, OMIM 254210.

gnomAD v4.1: 18 of 1,546,434 alleles (0.0012%); highest among the groups gnomAD compares: Non-Finnish European, 0.0016%; no homozygotes.

Submission:

Labcorp Genetics (formerly Invitae), Labcorp
Classification: Uncertain significance for Familial infantile myasthenia. Last evaluated: 2020-12-30. Review status: criteria provided, single submitter. Criteria: Invitae Variant Classification Sherloc (09022015). Collection method: clinical testing. Allele origin: germline.
Comment: In summary, the available evidence is currently insufficient to determine the role of this variant in disease. Therefore, it has been classified as a Variant of Uncertain Significance. Advanced modeling of protein sequence and biophysical properties (such as structural, functional, and spatial information, amino acid conservation, physicochemical variation, residue mobility, and thermodynamic stability) performed at Invitae indicates that this missense variant is not expected to disrupt CHAT protein function. This variant has not been reported in the literature in individuals with CHAT-related conditions. The frequency data for this variant in the population databases is considered unreliable, as metrics indicate insufficient coverage at this position in the ExAC database. This sequence change replaces glycine with arginine at codon 53 of the CHAT protein (p.Gly53Arg). The glycine residue is weakly conserved and there is a moderate physicochemical difference between glycine and arginine.

NM_020549.5(CHAT):c.157G>C (p.Gly53Arg)

Gene: CHAT (choline O-acetyltransferase; plus strand). Cytogenetic location: 10q11.23.
Variant type: single nucleotide variant.
Coding change: c.157G>C on transcript NM_020549.5 (MANE Select); coding-DNA position 157, G replaced by C.
Protein change: p.Gly53Arg; replaces glycine 53 with arginine.
Molecular consequence: missense variant. On other transcripts: 5 prime UTR variant (4), intron variant (2).
Genome position (GRCh38, 1-based): chr10:49,614,346, G>C. VCF-style: chr10-49614346-G-C. GRCh37 (hg19) VCF-style: chr10-50822392-G-C.
Other names: c.-198G>C (NM_001142929.2, NM_020985.4); c.-160G>C (NM_001142933.2); c.-268G>C (NM_001142934.2); c.-68-2156G>C (NM_020984.4); c.-69+1144G>C (NM_020986.4); short protein forms G53R.
Identifiers: ClinVar variation 1360666 (VCV001360666.8), dbSNP rs968331105, ClinGen allele CA206622892.